The following is an entry in ClinVar:

ClinVar aggregate classification (germline): Pathogenic (1 of 4 stars; one submission).

Conditions:
Baller-Gerold syndrome (BGS). Also called: CRANIOSYNOSTOSIS WITH RADIAL DEFECTS. Identifiers: Orphanet 1225, MedGen C0265308, MONDO:0009039, OMIM 218600.

Submission:

Labcorp Genetics (formerly Invitae), Labcorp
Classification: Pathogenic for Baller-Gerold syndrome. Last evaluated: 2022-02-18. Review status: criteria provided, single submitter. Criteria: Invitae Variant Classification Sherloc (09022015). Collection method: clinical testing. Allele origin: germline.
Comment: For these reasons, this variant has been classified as Pathogenic. This variant disrupts a region of the RECQL4 protein in which other variant(s) (p.Ala805_Arg807del) have been determined to be pathogenic (PMID: 29642415, 31604778; Invitae). This suggests that this is a clinically significant region of the protein, and that variants that disrupt it are likely to be disease-causing. This variant has not been reported in the literature in individuals affected with RECQL4-related conditions. This variant results in the deletion of exons 12-21 and part of exon 11 of the RECQL4 gene. While this deletion is not anticipated to lead to nonsense mediated decay, it is expected to alter mRNA translation or result in a truncated protein product.

Literature cited by the submitters: PubMed 29642415; PubMed 31604778.

NC_000008.10:g.(?_145736809)_(145739655_?)del

Gene: RECQL4 (RecQ like helicase 4; minus strand). Cytogenetic location: 8q24.3.
Variant type: Deletion.
Identifiers: ClinVar variation 584374 (VCV000584374.9).